The following is an entry in ClinVar:

NM_001270.4(CHD1):c.3085G>A (p.Glu1029Lys)

Gene: CHD1 (chromodomain helicase DNA binding protein 1; minus strand). Cytogenetic location: 5q15.
Variant type: single nucleotide variant.
Coding change: c.3085G>A on transcript NM_001270.4 (MANE Select); coding-DNA position 3085, G replaced by A.
Protein change: p.Glu1029Lys; replaces glutamic acid 1029 with lysine.
Molecular consequence: missense variant. On other transcripts: non-coding transcript variant (2).
Genome position (GRCh38, 1-based): chr5:98,879,704, C>T on the plus strand (G>A on the coding strand, the complement: CHD1 is on the minus strand). VCF-style: chr5-98879704-C-T. GRCh37 (hg19) VCF-style: chr5-98215408-C-T.
Other names: c.3085G>A, p.Glu1029Lys (NM_001364113.3, NM_001376194.2); short protein forms E1029K.
Identifiers: ClinVar variation 3629648 (VCV003629648.1).

ClinVar aggregate classification (germline): Uncertain significance (1 of 4 stars; one submission).

gnomAD v4.1: 6 of 1,599,776 alleles (0.00038%); highest among the groups gnomAD compares: African/African-American, 0.0068%; no homozygotes.

Submission:

Women's Health and Genetics/Laboratory Corporation of America, LabCorp
Classification: Uncertain significance. Last evaluated: 2024-11-13. Review status: criteria provided, single submitter. Criteria: LabCorp Variant Classification Summary - May 2015. Collection method: clinical testing. Allele origin: germline.
Comment: Variant summary: CHD1 c.3085G>A (p.Glu1029Lys) results in a conservative amino acid change in the encoded protein sequence. Three of five in-silico tools predict a damaging effect of the variant on protein function. The frequency data for this variant in gnomAD is considered unreliable, as metrics indicate poor data quality at this position. To our knowledge, no occurrence of c.3085G>A in individuals affected with Pilarowski-Bjornsson Syndrome and no experimental evidence demonstrating its impact on protein function have been reported. No submitters have cited clinical-significance assessments for this variant to ClinVar. Based on the evidence outlined above, the variant was classified as uncertain significance.